The following is an entry in ClinVar:

ClinVar aggregate classification (germline): Likely benign. Review status: criteria provided, multiple submitters, no conflicts (2 of 4 stars). 3 submissions from 3 submitters: Likely benign (3). Last evaluated 2025-11-01.

Conditions:
Inborn genetic diseases. Identifiers: MedGen C0950123, MeSH D030342.

Allele frequency attached by ClinVar (database versions not stated): ExAC 0.00006; ESP Exome Variant Server 0.00009.

Submissions (3):

CeGaT Center for Human Genetics Tuebingen
Classification: Likely benign. Last evaluated: 2025-11-01. Review status: criteria provided, single submitter. Criteria: CeGaT Center For Human Genetics Tuebingen Variant Classification Criteria Version 2. Collection method: clinical testing. Allele origin: germline. Affected: yes. Observed: 1 variant allele.
Comment: SHANK3: BP4, BP7

Blueprint Genetics
Classification: Likely benign. Last evaluated: 2024-11-27. Review status: criteria provided, single submitter. Criteria: ACMG Guidelines, 2015. Collection method: clinical testing. Allele origin: germline.

Ambry Genetics
Classification: Likely benign for Inborn genetic diseases. Last evaluated: 2019-01-16. Review status: criteria provided, single submitter. Criteria: Ambry Variant Classification Scheme 2023. Collection method: clinical testing. Allele origin: germline.

NM_001372044.2(SHANK3):c.3387C>T (p.Asp1129=)

Gene: SHANK3 (SH3 and multiple ankyrin repeat domains 3; plus strand). Cytogenetic location: 22q13.33.
Variant type: single nucleotide variant.
Coding change: c.3387C>T on transcript NM_001372044.2 (MANE Select); coding-DNA position 3387, C replaced by T.
Protein change: p.Asp1129=; no amino-acid change (aspartic acid 1129 retained).
Molecular consequence: synonymous variant.
Genome position (GRCh38, 1-based): chr22:50,720,995, C>T. VCF-style: chr22-50720995-C-T. GRCh37 (hg19) VCF-style: chr22-51159423-C-T.
Other names: c.3162C>T, p.Asp1054= (NM_033517.1).
Identifiers: ClinVar variation 1728327 (VCV001728327.9), dbSNP rs375916606, ClinGen allele CA10325967.